The following is an entry in ClinVar:

NM_000124.4(ERCC6):c.1759_1760del (p.Thr587fs)

Gene: ERCC6 (ERCC excision repair 6, chromatin remodeling factor; minus strand). Cytogenetic location: 10q11.23.
Variant type: Microsatellite.
Coding change: c.1759_1760del on transcript NM_000124.4 (MANE Select); coding-DNA positions 1759 to 1760, 2 bases deleted (AC; older notation c.1759_1760delAC).
Protein change: p.Thr587fs; shifts the reading frame from threonine 587.
Molecular consequence: frameshift variant.
Genome position (GRCh38, 1-based): chr10:49,493,178-49,493,179, GT deleted on the plus strand (AC on the coding strand, the reverse complement: ERCC6 is on the minus strand); deleting any 2 consecutive bases within chr10:49,493,178-49,493,182 gives the same sequence; the c. name uses the placement nearest the transcript's 3' end. VCF-style (leftmost placement, unchanged base first): chr10-49493177-CGT-C. GRCh37 (hg19) VCF-style: chr10-50701223-CGT-C.
Other names: c.1759_1760del, p.Thr587fs (NM_001346440.2); short protein forms T587fs.
Identifiers: ClinVar variation 1724810 (VCV001724810.2), dbSNP rs2496033253, ClinGen allele CA2580615463.
Genomic context (GRCh38, chr10:49,493,177, plus strand): 5'-CTTTTTGTGGGTATAGGAACCGGTTTCATGTAGAATTGCCACTCTGAACGGAGGCCACCA[CGT>C]GTGAAATTCCTTCACCCACTGATGCATCACTGTTGTTGGACAGACAATTACAGTTGGACC-3'

ClinVar aggregate classification (germline): Likely pathogenic (1 of 4 stars; one submission).

Conditions:
Cockayne syndrome type 2 (CSB). Also called: COCKAYNE SYNDROME B; Cockayne Syndrome, Type II. Identifiers: Orphanet 191, Orphanet 90322, MedGen C0751038, MONDO:0019570, OMIM 133540.

Submission:

Myriad Genetics, Inc.
Classification: Likely pathogenic for Cockayne syndrome type 2. Last evaluated: 2022-02-28. Review status: criteria provided, single submitter. Criteria: Myriad Women's Health Autosomal Recessive and X-Linked Classification Criteria (2021). Collection method: clinical testing. Allele origin: unknown.
Comment: NM_000124.2(ERCC6):c.1759_1760delAC(T587Vfs*12) is expected to be pathogenic in the context of ERCC6-related disorders. This variant is predicted to lead to an abnormal or absent protein product due to the creation of a premature termination codon in ERCC6, a gene where loss-of-function variants are known to be pathogenic. Please note: this variant was assessed in the context of healthy population screening.